The following is an entry in ClinVar:

ClinVar aggregate classification (germline): Conflicting classifications of pathogenicity. Review status: criteria provided, conflicting classifications (1 of 4 stars). 3 submissions from 3 submitters: Uncertain significance (2); Likely benign (1). Last evaluated 2025-11-26.

Allele frequency attached by ClinVar (database versions not stated): ExAC 0.00001; gnomAD 0.00001; TOPMed 0.00001; gnomAD exomes 0.00006; ESP Exome Variant Server 0.00008.
gnomAD v4.1: 81 of 1,613,704 alleles (0.005%); highest among the groups gnomAD compares: Non-Finnish European, 0.0068%; no homozygotes.

Submissions (3):

Ambry Genetics
Classification: Likely benign. Last evaluated: 2025-11-26. Review status: criteria provided, single submitter. Criteria: Ambry Variant Classification Scheme 2023. Collection method: clinical testing. Allele origin: germline.

Labcorp Genetics (formerly Invitae), Labcorp
Classification: Uncertain significance. Last evaluated: 2025-05-05. Review status: criteria provided, single submitter. Criteria: Invitae Variant Classification Sherloc (09022015). Collection method: clinical testing. Allele origin: germline.
Comment: This sequence change replaces lysine, which is basic and polar, with glutamic acid, which is acidic and polar, at codon 634 of the SPTA1 protein (p.Lys634Glu). This variant is present in population databases (rs377757393, gnomAD 0.004%). This variant has not been reported in the literature in individuals affected with SPTA1-related conditions. ClinVar contains an entry for this variant (Variation ID: 2436370). Invitae Evidence Modeling of protein sequence and biophysical properties (such as structural, functional, and spatial information, amino acid conservation, physicochemical variation, residue mobility, and thermodynamic stability) indicates that this missense variant is not expected to disrupt SPTA1 protein function with a negative predictive value of 80%. In summary, the available evidence is currently insufficient to determine the role of this variant in disease. Therefore, it has been classified as a Variant of Uncertain Significance.

Revvity Omics, Revvity
Classification: Uncertain significance. Last evaluated: 2021-02-01. Review status: criteria provided, single submitter. Criteria: ACMG Guidelines, 2015. Collection method: clinical testing. Allele origin: germline.

NM_003126.4(SPTA1):c.1900A>G (p.Lys634Glu)

Gene: SPTA1 (spectrin alpha, erythrocytic 1; minus strand). Cytogenetic location: 1q23.1.
Variant type: single nucleotide variant.
Coding change: c.1900A>G on transcript NM_003126.4 (MANE Select); coding-DNA position 1900, A replaced by G.
Protein change: p.Lys634Glu; replaces lysine 634 with glutamic acid.
Molecular consequence: missense variant.
Genome position (GRCh38, 1-based): chr1:158,667,996, T>C on the plus strand (A>G on the coding strand, the complement: SPTA1 is on the minus strand). VCF-style: chr1-158667996-T-C. GRCh37 (hg19) VCF-style: chr1-158637786-T-C.
Other names: short protein forms K634E.
Identifiers: ClinVar variation 2436370 (VCV002436370.5), dbSNP rs377757393, ClinGen allele CA1183575.